The following is an entry in ClinVar:

ClinVar aggregate classification (germline): Likely benign. Review status: criteria provided, multiple submitters, no conflicts (2 of 4 stars). 4 submissions from 4 submitters: Likely benign (3). 1 of the submissions does not count toward it. Last evaluated 2025-08-12.

Conditions:
Heterotopia, periventricular, X-linked dominant (PVNH1). Also called: PERIVENTRICULAR NODULAR HETEROTOPIA 1; X-linked periventricular heterotopia; PERIVENTRICULAR NODULAR HETEROTOPIA 4; HETEROTOPIA, PERIVENTRICULAR, 1. Identifiers: Orphanet 2149, Orphanet 82004, MedGen C1848213, MONDO:0010233, OMIM 300049.
Melnick-Needles syndrome (MNS). Also called: OSTEODYSPLASTY OF MELNICK AND NEEDLES; Melnick-Needles Syndrome (FLNA-MNS); MELNICK-NEEDLES OSTEODYSPLASTY. Identifiers: Orphanet 2484, MedGen C0025237, MONDO:0010650, OMIM 309350.
Oto-palato-digital syndrome, type II (OPD2). Also called: OPD II SYNDROME; Otopalatodigital Syndrome, Type II; FACIOPALATOOSSEOUS SYNDROME; Otopalatodigital Syndrome Type 2 (FLNA-OPD2). Identifiers: Orphanet 669, Orphanet 90652, MedGen C1844696, MONDO:0010571, OMIM 304120.
Frontometaphyseal dysplasia (FMD1). Identifiers: Orphanet 1826, MedGen C0265293, MONDO:0015942.
FLNA-related disorder.

Allele frequency attached by ClinVar (database versions not stated): gnomAD exomes 0.00005 and 0.00003; TOPMed 0.00001; gnomAD 0.00002; ExAC 0.00005.
gnomAD v4.1: 54 of 1,208,883 alleles (0.0045%); highest among the groups gnomAD compares: Non-Finnish European, 0.006%; no homozygotes.

Submissions (4):

Labcorp Genetics (formerly Invitae), Labcorp
Classification: Likely benign for Oto-palato-digital syndrome, type II; Heterotopia, periventricular, X-linked dominant; Frontometaphyseal dysplasia; Melnick-Needles syndrome. Last evaluated: 2025-08-12. Review status: criteria provided, single submitter. Criteria: Invitae Variant Classification Sherloc (09022015). Collection method: clinical testing. Allele origin: germline.

Blueprint Genetics
Classification: Likely benign. Last evaluated: 2024-10-30. Review status: criteria provided, single submitter. Criteria: ACMG Guidelines, 2015. Collection method: clinical testing. Allele origin: germline.

GeneDx
Classification: Likely benign. Last evaluated: 2017-12-01. Review status: criteria provided, single submitter. Criteria: GeneDx Variant Classification (06012015). Collection method: clinical testing. Allele origin: germline. Affected: yes.
Comment: This variant is considered likely benign or benign based on one or more of the following criteria: it is a conservative change, it occurs at a poorly conserved position in the protein, it is predicted to be benign by multiple in silico algorithms, and/or has population frequency not consistent with disease.

PreventionGenetics, part of Exact Sciences
Classification: Likely benign for FLNA-related condition. Last evaluated: 2019-09-13. Review status: no assertion criteria provided. Collection method: clinical testing. Allele origin: germline. Not counted in ClinVar's aggregate classification.
Comment: This variant is classified as likely benign based on ACMG/AMP sequence variant interpretation guidelines (Richards et al. 2015 PMID: 25741868, with internal and published modifications).

NM_001110556.2(FLNA):c.1902C>T (p.Arg634=)

Gene: FLNA (filamin A; minus strand). Cytogenetic location: Xq28.
Variant type: single nucleotide variant.
Coding change: c.1902C>T on transcript NM_001110556.2 (MANE Select); coding-DNA position 1902, C replaced by T.
Protein change: p.Arg634=; no amino-acid change (arginine 634 retained).
Molecular consequence: synonymous variant.
Genome position (GRCh38, 1-based): chrX:154,364,646, G>A on the plus strand (C>T on the coding strand, the complement: FLNA is on the minus strand). VCF-style: chrX-154364646-G-A. GRCh37 (hg19) VCF-style: chrX-153593014-G-A.
Other names: c.1902C>T, p.Arg634= (NM_001456.4); c.1902C>T (NM_001110556.1).
Identifiers: ClinVar variation 513767 (VCV000513767.15), dbSNP rs782136908, ClinGen allele CA10561051.
Genomic context (GRCh38, chrX:154,364,646, plus strand): 5'-GATGTCTTCGCTGTTGCACAGCACGTGAACGGCATACTCGCCAGCCTCCTGCGGCCAGTA[G>A]CGCACATCACAGGAGCCGTCGCCCTTGTCGTCACATTCGATCTTAGCCTGCGATGGCCCT-3'
Protein context (NP_001104026.1, residues 624-644): DDKGDGSCDV[Arg634=]YWPQEAGEYA